The following is an entry in ClinVar:

NM_017934.7(PHIP):c.1866A>G (p.Gly622=)

Gene: PHIP (PHIP subunit of CUL4-Ring ligase complex; minus strand). Cytogenetic location: 6q14.1.
Variant type: single nucleotide variant.
Coding change: c.1866A>G on transcript NM_017934.7 (MANE Select); coding-DNA position 1866, A replaced by G.
Protein change: p.Gly622=; no amino-acid change (glycine 622 retained).
Molecular consequence: synonymous variant.
Genome position (GRCh38, 1-based): chr6:79,001,912, T>C on the plus strand (A>G on the coding strand, the complement: PHIP is on the minus strand). VCF-style: chr6-79001912-T-C. GRCh37 (hg19) VCF-style: chr6-79711629-T-C.
Identifiers: ClinVar variation 3355865 (VCV003355865.1).

ClinVar aggregate classification (germline): Uncertain significance (0 of 4 stars; one submission).

Conditions:
PHIP-related disorder. Also called: PHIP-related condition; PHIP-related disorders.

gnomAD v4.1: 3 of 1,607,980 alleles (0.00019%); highest among the groups gnomAD compares: African/African-American, 0.0013%; no homozygotes.

Submission:

PreventionGenetics, part of Exact Sciences
Classification: Uncertain significance for PHIP-related condition. Last evaluated: 2024-04-10. Review status: no assertion criteria provided. Collection method: clinical testing. Allele origin: germline.
Comment: The PHIP c.1866A>G variant is not predicted to result in an amino acid change (p.=). This variant is predicted to create a new splicing site based on available splicing prediction programs (Alamut Visual Plus v1.6.1). However, the use of computer prediction programs is not equivalent to functional evidence. To our knowledge, this variant has not been reported in the literature. This variant is reported in 0.011% of alleles in individuals of African descent in gnomAD. At this time, the clinical significance of this variant is uncertain due to the absence of conclusive functional and genetic evidence.